The following is an entry in ClinVar:

ClinVar aggregate classification (germline): Conflicting classifications of pathogenicity. Review status: criteria provided, conflicting classifications (1 of 4 stars). 5 submissions from 5 submitters: Uncertain significance (3); Likely benign (1). 1 of the submissions does not count toward it. Last evaluated 2026-01-22.

Conditions:
MYO1E-related disorder. Also called: MYO1E-related condition.

Allele frequency attached by ClinVar (database versions not stated): 1000 Genomes Project 30x 0.00016; 1000 Genomes Project 0.00020; TOPMed 0.00094; ESP Exome Variant Server 0.00100; ExAC 0.00101; gnomAD exomes 0.00107 and 0.00165; gnomAD 0.00128 and 0.00134.
gnomAD v4.1: 2,581 of 1,613,898 alleles (0.16%); highest among the groups gnomAD compares: Non-Finnish European, 0.19%; 2 homozygotes.

Submissions (5):

Labcorp Genetics (formerly Invitae), Labcorp
Classification: Likely benign. Last evaluated: 2026-01-22. Review status: criteria provided, single submitter. Criteria: Invitae Variant Classification Sherloc (09022015). Collection method: clinical testing. Allele origin: germline.

Blueprint Genetics
Classification: Uncertain significance. Last evaluated: 2024-11-25. Review status: criteria provided, single submitter. Criteria: ACMG Guidelines, 2015. Collection method: clinical testing. Allele origin: germline.

Mayo Clinic Laboratories, Mayo Clinic
Classification: Uncertain significance. Last evaluated: 2022-11-25. Review status: criteria provided, single submitter. Criteria: ACMG Guidelines, 2015. Collection method: clinical testing. Allele origin: germline. Observed: 1 variant allele.

CeGaT Center for Human Genetics Tuebingen
Classification: Uncertain significance. Last evaluated: 2019-04-01. Review status: criteria provided, single submitter. Criteria: CeGaT Center For Human Genetics Tuebingen Variant Classification Criteria Version 2. Collection method: clinical testing. Allele origin: germline. Affected: yes. Observed: 1 variant allele.

PreventionGenetics, part of Exact Sciences
Classification: Likely benign for MYO1E-related condition. Last evaluated: 2022-02-24. Review status: no assertion criteria provided. Collection method: clinical testing. Allele origin: germline. Not counted in ClinVar's aggregate classification.
Comment: This variant is classified as likely benign based on ACMG/AMP sequence variant interpretation guidelines (Richards et al. 2015 PMID: 25741868, with internal and published modifications).

Literature cited by the submitters: PubMed 21756023 (cited by Mayo Clinic Laboratories, Mayo Clinic).

NM_004998.4(MYO1E):c.1615C>A (p.Leu539Met)

Gene: MYO1E (myosin IE; minus strand). Cytogenetic location: 15q22.2.
Variant type: single nucleotide variant.
Coding change: c.1615C>A on transcript NM_004998.4 (MANE Select); coding-DNA position 1615, C replaced by A.
Protein change: p.Leu539Met; replaces leucine 539 with methionine.
Molecular consequence: missense variant.
Genome position (GRCh38, 1-based): chr15:59,205,401, G>T on the plus strand (C>A on the coding strand, the complement: MYO1E is on the minus strand). VCF-style: chr15-59205401-G-T. GRCh37 (hg19) VCF-style: chr15-59497600-G-T.
Other names: p.Leu539Met; c.1615C>A (NM_004998.3); short protein forms L539M.
Identifiers: ClinVar variation 807265 (VCV000807265.53), dbSNP rs139049058, ClinGen allele CA7589576.